The following is an entry in ClinVar:

NM_005245.4(FAT1):c.10069-10T>C

Gene: FAT1 (FAT atypical cadherin 1; minus strand). Cytogenetic location: 4q35.2.
Variant type: single nucleotide variant.
Coding change: c.10069-10T>C on transcript NM_005245.4 (MANE Select); 10 bases into the intron before coding-DNA position 10069, T replaced by C.
Molecular consequence: intron variant.
Genome position (GRCh38, 1-based): chr4:186,609,330, A>G on the plus strand (T>C on the coding strand, the complement: FAT1 is on the minus strand). VCF-style: chr4-186609330-A-G. GRCh37 (hg19) VCF-style: chr4-187530484-A-G.
Other names: c.10069-10T>C (NM_005245.3).
Identifiers: ClinVar variation 2064252 (VCV002064252.6), dbSNP rs75836912, ClinGen allele CA3165482.

ClinVar aggregate classification (germline): Benign. Review status: criteria provided, single submitter (1 of 4 stars). 2 submissions from 2 submitters: Benign (1). 1 of the submissions does not count toward it. Last evaluated 2025-10-23.

Conditions:
FAT1-related disorder. Also called: FAT1-related condition.

Allele frequency attached by ClinVar (database versions not stated): gnomAD exomes 0.00052; TOPMed 0.00053; gnomAD 0.00054; ESP Exome Variant Server 0.00058; ExAC 0.00089; 1000 Genomes Project 0.00140; 1000 Genomes Project 30x 0.00141.

Submissions (2):

Labcorp Genetics (formerly Invitae), Labcorp
Classification: Benign. Last evaluated: 2025-10-23. Review status: criteria provided, single submitter. Criteria: Invitae Variant Classification Sherloc (09022015). Collection method: clinical testing. Allele origin: germline.

PreventionGenetics, part of Exact Sciences
Classification: Likely benign for FAT1-related condition. Last evaluated: 2020-01-22. Review status: no assertion criteria provided. Collection method: clinical testing. Allele origin: germline. Not counted in ClinVar's aggregate classification.
Comment: This variant is classified as likely benign based on ACMG/AMP sequence variant interpretation guidelines (Richards et al. 2015 PMID: 25741868, with internal and published modifications).